The following is an entry in ClinVar:

NM_177438.3(DICER1):c.1481T>C (p.Met494Thr)

Gene: DICER1 (dicer 1, ribonuclease III; minus strand). Cytogenetic location: 14q32.13.
Variant type: single nucleotide variant.
Coding change: c.1481T>C on transcript NM_177438.3 (MANE Select); coding-DNA position 1481, T replaced by C.
Protein change: p.Met494Thr; replaces methionine 494 with threonine.
Molecular consequence: missense variant.
Genome position (GRCh38, 1-based): chr14:95,117,650, A>G on the plus strand (T>C on the coding strand, the complement: DICER1 is on the minus strand). VCF-style: chr14-95117650-A-G. GRCh37 (hg19) VCF-style: chr14-95583987-A-G.
Other names: c.1481T>C, p.Met494Thr (NM_001195573.1, NM_001271282.3, NM_001291628.2 and 1 more transcripts); short protein forms M494T.
Identifiers: ClinVar variation 477045 (VCV000477045.17), dbSNP rs1269571329, ClinGen allele CA390885476.
Genomic context (GRCh38, chr14:95,117,650, plus strand): 5'-TGTTATTGTACACTTATTTTGATTTAAGTTACCTCTTCCTGTTTTCTGAATTCTGCTTCC[A>G]TCTGTTTGTTGCGAGGCTGATTCTTCCCAATGCCATGTCCAGTTATGAAATTGCTACTGA-3'
Protein context (NP_803187.1, residues 484-504): IGKNQPRNKQ[Met494Thr]EAEFRKQEEV

ClinVar aggregate classification (germline): Uncertain significance. Review status: criteria provided, multiple submitters, no conflicts (2 of 4 stars). 2 submissions from 2 submitters: Uncertain significance (2). Last evaluated 2025-12-30.

Conditions:
DICER1-related tumor predisposition. Also called: DICER1-related pleuropulmonary blastoma cancer predisposition syndrome; DICER1 syndrome. Identifiers: Orphanet 284343, MedGen C3839822, MONDO:0100216.
Hereditary cancer-predisposing syndrome. Also called: Tumor predisposition; Neoplastic Syndromes, Hereditary; Hereditary Cancer Syndrome; Hereditary neoplastic syndrome. Identifiers: Orphanet 140162, MedGen C0027672, MeSH D009386, MONDO:0015356.

Allele frequency attached by ClinVar (database versions not stated): gnomAD exomes below 0.00001 and 0.00001; TOPMed 0.00001.
gnomAD v4.1: 3 of 1,614,034 alleles (0.00019%); highest among the groups gnomAD compares: South Asian, 0.0011%; no homozygotes.

Submissions (2):

Labcorp Genetics (formerly Invitae), Labcorp
Classification: Uncertain significance for DICER1-related tumor predisposition. Last evaluated: 2025-12-30. Review status: criteria provided, single submitter. Criteria: Invitae Variant Classification Sherloc (09022015). Collection method: clinical testing. Allele origin: germline.
Comment: This sequence change replaces methionine, which is neutral and non-polar, with threonine, which is neutral and polar, at codon 494 of the DICER1 protein (p.Met494Thr). This variant is present in population databases (no rsID available, gnomAD 0.0009%). This variant has not been reported in the literature in individuals affected with DICER1-related conditions. ClinVar contains an entry for this variant (Variation ID: 477045). Invitae Evidence Modeling of protein sequence and biophysical properties (such as structural, functional, and spatial information, amino acid conservation, physicochemical variation, residue mobility, and thermodynamic stability) indicates that this missense variant is not expected to disrupt DICER1 protein function with a negative predictive value of 95%. In summary, the available evidence is currently insufficient to determine the role of this variant in disease. Therefore, it has been classified as a Variant of Uncertain Significance.

Ambry Genetics
Classification: Uncertain significance for Hereditary cancer-predisposing syndrome. Last evaluated: 2024-12-28. Review status: criteria provided, single submitter. Criteria: Ambry Variant Classification Scheme 2023. Collection method: clinical testing. Allele origin: germline.
Comment: The p.M494T variant (also known as c.1481T>C), located in coding exon 8 of the DICER1 gene, results from a T to C substitution at nucleotide position 1481. The methionine at codon 494 is replaced by threonine, an amino acid with similar properties. This amino acid position is highly conserved in available vertebrate species. In addition, the in silico prediction for this alteration is inconclusive. Since supporting evidence is limited at this time, the clinical significance of this alteration remains unclear.